The following is an entry in ClinVar:

ClinVar aggregate classification (germline): Uncertain significance (1 of 4 stars; one submission).

Conditions:
Congenital contractural arachnodactyly (CCA). Also called: BEALS SYNDROME; Arthrogryposis, distal, type 9; Beals-Hecht syndrome. Identifiers: Orphanet 115, MedGen C0220668, MONDO:0007363, OMIM 121050.

Submission:

Labcorp Genetics (formerly Invitae), Labcorp
Classification: Uncertain significance for Congenital contractural arachnodactyly. Last evaluated: 2025-10-14. Review status: criteria provided, single submitter. Criteria: Invitae Variant Classification Sherloc (09022015). Collection method: clinical testing. Allele origin: germline.
Comment: This sequence change falls in intron 4 of the FBN2 gene. It does not directly change the encoded amino acid sequence of the FBN2 protein. It affects a nucleotide within the consensus splice site. This variant is present in population databases (rs776355328, gnomAD 0.002%). This variant has not been reported in the literature in individuals affected with FBN2-related conditions. Variants that disrupt the consensus splice site are a relatively common cause of aberrant splicing (PMID: 17576681, 9536098). Algorithms developed to predict the effect of sequence changes on RNA splicing suggest that this variant may disrupt the consensus splice site. In summary, the available evidence is currently insufficient to determine the role of this variant in disease. Therefore, it has been classified as a Variant of Uncertain Significance.

Literature cited by the submitters: PubMed 17576681; PubMed 9536098.

NM_001999.4(FBN2):c.532+2dup

Gene: FBN2 (fibrillin 2; minus strand). Cytogenetic location: 5q23.3.
Variant type: Duplication.
Coding change: c.532+2dup on transcript NM_001999.4 (MANE Select); the canonical splice donor site of the intron after coding-DNA position 532, one base duplicated (T; older notation c.532+2dupT).
Molecular consequence: splice donor variant.
Genome position (GRCh38, 1-based): chr5:128,527,870, A duplicated on the plus strand (T on the coding strand, the reverse complement: FBN2 is on the minus strand). VCF-style (leftmost placement, unchanged base first): chr5-128527869-T-TA. GRCh37 (hg19) VCF-style: chr5-127863562-T-TA.
Identifiers: ClinVar variation 4744439 (VCV004744439.1).